The following is an entry in ClinVar:

ClinVar aggregate classification (germline): Uncertain significance (1 of 4 stars; one submission).

Submission:

GeneDx
Classification: Uncertain significance. Last evaluated: 2025-11-24. Review status: criteria provided, single submitter. Criteria: GeneDx Variant Classification Process June 2021. Collection method: clinical testing. Allele origin: germline.
Comment: Not observed at significant frequency in large population cohorts (gnomAD); In silico analysis supports that this missense variant has a deleterious effect on protein structure/function; Has not been previously published as pathogenic or benign to our knowledge

NM_001194.4(HCN2):c.2080A>T (p.Ile694Phe)

Gene: HCN2 (hyperpolarization activated cyclic nucleotide gated potassium and sodium channel 2; plus strand). Cytogenetic location: 19p13.3.
Variant type: single nucleotide variant.
Coding change: c.2080A>T on transcript NM_001194.4 (MANE Select); coding-DNA position 2080, A replaced by T.
Protein change: p.Ile694Phe; replaces isoleucine 694 with phenylalanine.
Molecular consequence: missense variant.
Genome position (GRCh38, 1-based): chr19:615,884, A>T. VCF-style: chr19-615884-A-T. GRCh37 (hg19) VCF-style: chr19-615884-A-T.
Other names: short protein forms I694F.
Identifiers: ClinVar variation 4529651 (VCV004529651.2).
Genomic context (GRCh38, chr19:615,884, plus strand): 5'-GTGCAGCATGACCTCAACTCGGGCGTATTCAACAACCAGGAGAACGCCATCATCCAGGAG[A>T]TCGTCAAGTACGACCGCGAGATGGTGCAGCAGGCCGAGCTGGGTCAGCGCGTGGGCCTCT-3'
Protein context (NP_001185.3, residues 684-704): NNQENAIIQE[Ile694Phe]VKYDREMVQQ